The following is an entry in ClinVar:

ClinVar aggregate classification (germline): Uncertain significance (1 of 4 stars; one submission).

Submission:

Ambry Genetics
Classification: Uncertain significance. Last evaluated: 2026-06-02. Review status: criteria provided, single submitter. Criteria: Ambry Variant Classification Scheme 2023. Collection method: clinical testing. Allele origin: germline.
Comment: The p.G1800V variant (also known as c.5399G>T), located in coding exon 22 of the WNK2 gene, results from a G to T substitution at nucleotide position 5399. The glycine at codon 1800 is replaced by valine, an amino acid with dissimilar properties. This amino acid position is conserved. In addition, the in silico prediction for this alteration is inconclusive. Based on the available evidence, the clinical significance of this variant remains unclear.

NM_006648.4(WNK2):c.5399G>T (p.Gly1800Val)

Gene: WNK2 (WNK lysine deficient protein kinase 2; plus strand). Cytogenetic location: 9q22.31.
Variant type: single nucleotide variant.
Coding change: c.5399G>T on transcript NM_006648.4 (MANE Select); coding-DNA position 5399, G replaced by T.
Protein change: p.Gly1800Val; replaces glycine 1800 with valine.
Molecular consequence: missense variant.
Genome position (GRCh38, 1-based): chr9:93,292,864, G>T. VCF-style: chr9-93292864-G-T. GRCh37 (hg19) VCF-style: chr9-96055146-G-T.
Other names: c.5510G>T, p.Gly1837Val (NM_001282394.3); short protein forms G1800V, G1837V.
Identifiers: ClinVar variation 4866725 (VCV004866725.1).
Genomic context (GRCh38, chr9:93,292,864, plus strand): 5'-CCAGCCCCGACGTGAAGCTGGCAGTGCGGCGGGCGCAGACGGCCTCCTCCATCGAGGTCG[G>T]CGTGGGCGAGCCCGTGTCCAGCGACTCTGGGGACGAGGGCCCTCGGGCGAGACCCCCGGT-3'
Protein context (NP_006639.3, residues 1790-1810): RAQTASSIEV[Gly1800Val]VGEPVSSDSG